The following is an entry in ClinVar:

NM_001139.3(ALOX12B):c.46_48del (p.Ser16del)

Gene: ALOX12B (arachidonate 12-lipoxygenase, 12R type; minus strand). Cytogenetic location: 17p13.1.
Variant type: Deletion.
Coding change: c.46_48del on transcript NM_001139.3 (MANE Select); coding-DNA positions 46 to 48, 3 bases deleted (TCG; older notation c.46_48delTCG).
Protein change: p.Ser16del; deletes serine 16.
Molecular consequence: inframe deletion.
Genome position (GRCh38, 1-based): chr17:8,087,395-8,087,397, CGA deleted on the plus strand (TCG on the coding strand, the reverse complement: ALOX12B is on the minus strand); deleting any 3 consecutive bases within chr17:8,087,395-8,087,398 gives the same sequence; the c. name uses the placement nearest the transcript's 3' end. VCF-style (leftmost placement, unchanged base first): chr17-8087394-CCGA-C. GRCh37 (hg19) VCF-style: chr17-7990712-CCGA-C.
Other names: c.46_48del, p.Ser16del (LRG_1264t1); short protein forms S16del.
Identifiers: ClinVar variation 325928 (VCV000325928.15), dbSNP rs886053573, ClinGen allele CA10651293.
Genomic context (GRCh38, chr17:8,087,394, plus strand): 5'-GCTGCTTATGGCTCTCTCCTTGTGTCCCCACAATGGTCAGTGAGATGGAGTCCCGTGTTC[CCGA>C]CAAGAGGTCGGTGCCTGTGGCCACCCTGACTTTGTAGGTGGCCATGGCTGCTCTTCAGGA-3'

ClinVar aggregate classification (germline): Conflicting classifications of pathogenicity. Review status: criteria provided, conflicting classifications (1 of 4 stars). 3 submissions from 3 submitters: Likely pathogenic (1); Uncertain significance (2). Last evaluated 2023-04-24.

Submissions (3):

Labcorp Genetics (formerly Invitae), Labcorp
Classification: Uncertain significance. Last evaluated: 2023-04-24. Review status: criteria provided, single submitter. Criteria: Invitae Variant Classification Sherloc (09022015). Collection method: clinical testing. Allele origin: germline.
Comment: This variant, c.46_48del, results in the deletion of 1 amino acid(s) of the ALOX12B protein (p.Ser16del), but otherwise preserves the integrity of the reading frame. This variant is not present in population databases (gnomAD no frequency). This variant has not been reported in the literature in individuals affected with ALOX12B-related conditions. ClinVar contains an entry for this variant (Variation ID: 325928). This variant disrupts a region of the ALOX12B protein in which other variant(s) (p.Ser16Leu) have been observed in individuals with ALOX12B-related conditions (PMID: 33255364). This suggests that this is a clinically significant region of the protein, and that variants that disrupt it are likely to be disease-causing. In summary, the available evidence is currently insufficient to determine the role of this variant in disease. Therefore, it has been classified as a Variant of Uncertain Significance.

Blueprint Genetics
Classification: Uncertain significance. Last evaluated: 2021-06-14. Review status: criteria provided, single submitter. Criteria: ACMG Guidelines, 2015. Collection method: clinical testing. Allele origin: germline.

GeneDx
Classification: Likely pathogenic. Last evaluated: 2020-09-25. Review status: criteria provided, single submitter. Criteria: GeneDx Variant Classification Process June 2021. Collection method: clinical testing. Allele origin: germline. Affected: yes.
Comment: Not observed in large population cohorts (Lek et al., 2016); In-frame deletion of 1 amino acid in a non-repeat region; In silico analysis, which includes protein predictors and evolutionary conservation, supports a deleterious effect; Has not been previously published as pathogenic or benign to our knowledge

Literature cited by the submitters: PubMed 33255364 (cited by Labcorp Genetics (formerly Invitae), Labcorp).